The following is an entry in ClinVar:

ClinVar aggregate classification (germline): Likely benign. Review status: criteria provided, multiple submitters, no conflicts (2 of 4 stars). 2 submissions from 2 submitters: Likely benign (2). Last evaluated 2026-04-29.

Conditions:
RAX2-related disorder. Also called: RAX2-related condition; RAX2-related disorders.

gnomAD v4.1: 90 of 1,487,770 alleles (0.006%); highest among the groups gnomAD compares: Non-Finnish European, 0.0078%; no homozygotes.

Submissions (2):

PreventionGenetics, part of Exact Sciences
Classification: Likely benign for RAX2-related condition. Last evaluated: 2026-04-29. Review status: criteria provided, single submitter. Criteria: ACMG Guidelines, 2015. Collection method: clinical testing. Allele origin: germline.
Comment: This variant is classified as likely benign based on ACMG/AMP sequence variant interpretation guidelines (Richards et al. 2015 PMID: 25741868, with internal and published modifications).

Blueprint Genetics
Classification: Likely benign. Last evaluated: 2024-11-25. Review status: criteria provided, single submitter. Criteria: ACMG Guidelines, 2015. Collection method: clinical testing. Allele origin: germline.

NM_001319074.4(RAX2):c.-79C>G

Gene: RAX2 (retina and anterior neural fold homeobox 2; minus strand). Cytogenetic location: 19p13.3.
Variant type: single nucleotide variant.
Coding change: c.-79C>G on transcript NM_001319074.4 (MANE Select); 79 bases upstream of the start codon, C replaced by G.
Molecular consequence: 5 prime UTR variant. On other transcripts: intron variant (1).
Genome position (GRCh38, 1-based): chr19:3,771,821, G>C on the plus strand (C>G on the coding strand, the complement: RAX2 is on the minus strand). VCF-style: chr19-3771821-G-C. GRCh37 (hg19) VCF-style: chr19-3771819-G-C.
Other names: c.-9-70C>G (NM_032753.4); c.60C>G (NM_001319074.1).
Identifiers: ClinVar variation 4939925 (VCV004939925.2).